The following is an entry in ClinVar:

NM_000243.3(MEFV):c.289C>T (p.Gln97Ter)

Gene: MEFV (MEFV innate immunity regulator, pyrin; minus strand). Cytogenetic location: 16p13.3.
Variant type: single nucleotide variant.
Coding change: c.289C>T on transcript NM_000243.3 (MANE Select); coding-DNA position 289, C replaced by T.
Protein change: p.Gln97Ter; replaces glutamine 97 with a stop codon.
Molecular consequence: nonsense. On other transcripts: intron variant (1).
Genome position (GRCh38, 1-based): chr16:3,254,779, G>A on the plus strand (C>T on the coding strand, the complement: MEFV is on the minus strand). VCF-style: chr16-3254779-G-A. GRCh37 (hg19) VCF-style: chr16-3304779-G-A.
Other names: c.277+1532C>T (NM_001198536.2); short protein forms Q97*.
Identifiers: ClinVar variation 319117 (VCV000319117.15), dbSNP rs747515115, ClinGen allele CA7860464.

ClinVar aggregate classification (germline): Conflicting classifications of pathogenicity. Review status: criteria provided, conflicting classifications (1 of 4 stars). 7 submissions from 5 submitters: Likely pathogenic (1); Uncertain significance (4); Likely benign (2). Last evaluated 2025-11-23.

Conditions:
Acute febrile neutrophilic dermatosis (AFND). Also called: Gomm Button disease; Sweet Syndrome. Identifiers: Orphanet 3243, MedGen C0085077, MONDO:0011959, OMIM 608068.
Familial Mediterranean fever (FMF). Also called: POLYSEROSITIS, FAMILIAL PAROXYSMAL; POLYSEROSITIS, RECURRENT; Periodic peritonitis; Benign paroxysmal peritonitis. Identifiers: Orphanet 342, MedGen C0031069, MONDO:0018088, OMIM 249100. Disease mechanism: gain of function.
MEFV-related disorder. Also called: MEFV-related disorders; MEFV-related condition.
Familial Mediterranean fever, autosomal dominant. Also called: FMF, AUTOSOMAL DOMINANT; Dominant Familial Mediterranean Fever. Identifiers: Orphanet 342, MedGen C1851347, MONDO:0007601, OMIM 134610.

Allele frequency attached by ClinVar (database versions not stated): TOPMed 0.00002; gnomAD 0.00006.
gnomAD v4.1: 73 of 1,611,904 alleles (0.0045%); highest among the groups gnomAD compares: Non-Finnish European, 0.0059%; no homozygotes.

Submissions (7):

Labcorp Genetics (formerly Invitae), Labcorp
Classification: Uncertain significance for Familial Mediterranean fever. Last evaluated: 2025-11-23. Review status: criteria provided, single submitter. Criteria: Invitae Variant Classification Sherloc (09022015). Collection method: clinical testing. Allele origin: germline.
Comment: This sequence change creates a premature translational stop signal (p.Gln97*) in the MEFV gene. It is expected to result in an absent or disrupted protein product. However, the current clinical and genetic evidence is not sufficient to establish whether loss-of-function variants in MEFV cause disease. This variant is present in population databases (rs747515115, gnomAD 0.006%). This variant has not been reported in the literature in individuals affected with MEFV-related conditions. ClinVar contains an entry for this variant (Variation ID: 319117). In summary, the available evidence is currently insufficient to determine the role of this variant in disease. Therefore, it has been classified as a Variant of Uncertain Significance.

Blueprint Genetics
Classification: Likely pathogenic for MEFV-related disorders. Last evaluated: 2024-11-06. Review status: criteria provided, single submitter. Criteria: ACMG Guidelines, 2015. Collection method: clinical testing. Allele origin: germline. Affected: yes. Observed: 2 variant alleles.

Genome-Nilou Lab
Classification: Uncertain significance for Familial Mediterranean fever. Last evaluated: 2023-02-08. Review status: criteria provided, single submitter. Criteria: ACMG Guidelines, 2015. Collection method: clinical testing. Allele origin: germline.

Genome-Nilou Lab
Classification: Likely benign for Familial Mediterranean fever, autosomal dominant. Last evaluated: 2023-02-08. Review status: criteria provided, single submitter. Criteria: ACMG Guidelines, 2015. Collection method: clinical testing. Allele origin: germline.

Genome-Nilou Lab
Classification: Likely benign for Acute febrile neutrophilic dermatosis. Last evaluated: 2023-02-08. Review status: criteria provided, single submitter. Criteria: ACMG Guidelines, 2015. Collection method: clinical testing. Allele origin: germline.

GeneDx
Classification: Uncertain significance. Last evaluated: 2023-01-18. Review status: criteria provided, single submitter. Criteria: GeneDx Variant Classification Process June 2021. Collection method: clinical testing. Allele origin: germline. Affected: yes.
Comment: Reported heterozygous with a common MEFV benign polymorphism in a patient with rheumatoid arthritis who was screened for variants in genes associated with systemic autoimmune disease (Savic et al., 2017); Nonsense variant predicted to result in protein truncation or nonsense mediated decay in a gene for which loss-of-function is not a known mechanism of disease; This variant is associated with the following publications: (PMID: 21520333, 28421071, 29177082)

Fulgent Genetics
Classification: Uncertain significance for Familial Mediterranean fever, autosomal dominant; Familial Mediterranean fever; Acute febrile neutrophilic dermatosis. Last evaluated: 2021-10-07. Review status: criteria provided, single submitter. Criteria: ACMG Guidelines, 2015. Collection method: clinical testing. Allele origin: unknown.